The following is an entry in ClinVar:

NM_000038.6(APC):c.7589G>C (p.Arg2530Pro)

Gene: APC (APC regulator of Wnt signaling pathway; plus strand). Cytogenetic location: 5q22.2.
Variant type: single nucleotide variant.
Coding change: c.7589G>C on transcript NM_000038.6 (MANE Select); coding-DNA position 7589, G replaced by C.
Protein change: p.Arg2530Pro; replaces arginine 2530 with proline.
Molecular consequence: missense variant. On other transcripts: non-coding transcript variant (2).
Genome position (GRCh38, 1-based): chr5:112,843,183, G>C. VCF-style: chr5-112843183-G-C. GRCh37 (hg19) VCF-style: chr5-112178880-G-C.
Other names: c.7589G>C, p.Arg2530Pro (NM_001127510.3, NM_001354895.2, NM_001407450.1); c.7535G>C, p.Arg2512Pro (NM_001127511.3); c.7643G>C, p.Arg2548Pro (NM_001354896.2, NM_001407447.1, NM_001407448.1 and 1 more transcripts); c.7619G>C, p.Arg2540Pro (NM_001354897.2); c.7514G>C, p.Arg2505Pro (NM_001354898.2); c.7505G>C, p.Arg2502Pro (NM_001354899.2); c.7466G>C, p.Arg2489Pro (NM_001354900.2); c.7412G>C, p.Arg2471Pro (NM_001354901.2, NM_001407453.1); and 11 more; short protein forms R2540P, R2548P, R2558P, R2146P, R2247P, R2370P, R2401P, R2404P.
Identifiers: ClinVar variation 3231365 (VCV003231365.1), dbSNP rs587778043, ClinGen allele CA16037820.

ClinVar aggregate classification (germline): Uncertain significance (1 of 4 stars; one submission).

Conditions:
Hereditary cancer-predisposing syndrome. Also called: Neoplastic Syndromes, Hereditary; Tumor predisposition; Hereditary neoplastic syndrome; Hereditary Cancer Syndrome. Identifiers: Orphanet 140162, MedGen C0027672, MeSH D009386, MONDO:0015356.

Submission:

Ambry Genetics
Classification: Uncertain significance for Hereditary cancer-predisposing syndrome. Last evaluated: 2024-01-25. Review status: criteria provided, single submitter. Criteria: Ambry Variant Classification Scheme 2023. Collection method: clinical testing. Allele origin: germline.
Comment: The p.R2530P variant (also known as c.7589G>C), located in coding exon 15 of the APC gene, results from a G to C substitution at nucleotide position 7589. The arginine at codon 2530 is replaced by proline, an amino acid with dissimilar properties. This amino acid position is conserved. In addition, in silico predictors for this gene do not accurately predict pathogenicity. Based on the available evidence, the clinical significance of this alteration remains unclear.